The following is an entry in ClinVar:

NM_001458.5(FLNC):c.6958G>A (p.Gly2320Arg)

Genes: FLNC (filamin C; plus strand), FLNC-AS1 (FLNC antisense RNA 1; minus strand). Cytogenetic location: 7q32.1.
Variant type: single nucleotide variant.
Coding change: c.6958G>A on transcript NM_001458.5 (MANE Select); coding-DNA position 6958, G replaced by A.
Protein change: p.Gly2320Arg; replaces glycine 2320 with arginine.
Molecular consequence: missense variant.
Genome position (GRCh38, 1-based): chr7:128,854,643, G>A. VCF-style: chr7-128854643-G-A. GRCh37 (hg19) VCF-style: chr7-128494697-G-A.
Other names: p.Gly2320Arg; c.6859G>A, p.Gly2287Arg (NM_001127487.2); short protein forms G2320R, G2287R.
Identifiers: ClinVar variation 472153 (VCV000472153.19), dbSNP rs867808948, ClinGen allele CA166191873.

ClinVar aggregate classification (germline): Conflicting classifications of pathogenicity. Review status: criteria provided, conflicting classifications (1 of 4 stars). 9 submissions from 9 submitters: Likely pathogenic (5); Uncertain significance (2). 2 of the submissions do not count toward it. Last evaluated 2026-06-18.

Conditions:
Cardiovascular phenotype. Identifiers: MedGen CN230736.
Myofibrillar myopathy 5. Also called: Filaminopathy (type); FILAMINOPATHY, AUTOSOMAL DOMINANT. Identifiers: Orphanet 171445, MedGen C1836050, MONDO:0012289, OMIM 609524.
Hypertrophic cardiomyopathy 26. Also called: Cardiomyopathy, familial hypertrophic, 26. Identifiers: Orphanet 75249, MedGen C4310749, MONDO:0014883, OMIM 617047.
Distal myopathy with posterior leg and anterior hand involvement. Also called: WILLIAMS DISTAL MYOPATHY. Identifiers: Orphanet 63273, MedGen C3279722, MONDO:0013550, OMIM 614065.
Left Ventricular Non-Compaction.
FLNC-related disorder. Also called: FLNC-related disorders; FLNC-related condition.

Allele frequency attached by ClinVar (database versions not stated): gnomAD exomes below 0.00001.
gnomAD v4.1: 1 of 1,612,606 alleles (0.000062%); highest among the groups gnomAD compares: Non-Finnish European, 0.000085%; no homozygotes.

Submissions (9):

MVZ Martinsried, Medicover Genetics
Classification: Likely pathogenic for Left Ventricular Non-Compaction. Last evaluated: 2026-06-18. Review status: criteria provided, single submitter. Criteria: ClinGen Variant Curation SOP V3.2 + Classification Guidance July2025. Collection method: clinical testing. Allele origin: unknown. Affected: yes. Observed: 1 heterozygote.

Mayo Clinic Laboratories, Mayo Clinic
Classification: Likely pathogenic. Last evaluated: 2025-08-08. Review status: criteria provided, single submitter. Criteria: ACMG Guidelines, 2015. Collection method: clinical testing. Allele origin: germline. Observed: 1 variant allele.
Comment: PP3, PM2_supporting, PS2

Labcorp Genetics (formerly Invitae), Labcorp
Classification: Likely pathogenic for Distal myopathy with posterior leg and anterior hand involvement; Myofibrillar myopathy 5; Hypertrophic cardiomyopathy 26. Last evaluated: 2025-07-05. Review status: criteria provided, single submitter. Criteria: Invitae Variant Classification Sherloc (09022015). Collection method: clinical testing. Allele origin: germline.
Comment: This sequence change replaces glycine, which is neutral and non-polar, with arginine, which is basic and polar, at codon 2320 of the FLNC protein (p.Gly2320Arg). This variant is not present in population databases (gnomAD no frequency). This missense change has been observed in individual(s) with hypertrophic cardiomyopathy (internal data). In at least one individual the variant was observed to be de novo. ClinVar contains an entry for this variant (Variation ID: 472153). Invitae Evidence Modeling of protein sequence and biophysical properties (such as structural, functional, and spatial information, amino acid conservation, physicochemical variation, residue mobility, and thermodynamic stability) indicates that this missense variant is not expected to disrupt FLNC protein function with a negative predictive value of 95%. In summary, the currently available evidence indicates that the variant is pathogenic, but additional data are needed to prove that conclusively. Therefore, this variant has been classified as Likely Pathogenic.

PreventionGenetics, part of Exact Sciences
Classification: Likely pathogenic for FLNC-related condition. Last evaluated: 2025-02-27. Review status: criteria provided, single submitter. Criteria: ACMG Guidelines, 2015. Collection method: clinical testing. Allele origin: germline.
Comment: The FLNC c.6958G>A variant is predicted to result in the amino acid substitution p.Gly2320Arg. This variant has been reported to segregate in a family with variable clinical features, including hypertrophic cardiomyopathy, restrictive cardiomyopathy, and left ventricular hypertrabeculation (Bermúdez-Jiménez et al. 2023. PubMed ID: 35952944). This variant has also been documented in an individual with hypertrophic cardiomyopathy; however, this individual also carried a pathogenic variant in another gene associated with autosomal dominant cardiomyopathy (Hiruma et al. 2024. PubMed ID: 39340495). At PreventionGenetics, we previously identified this variant in two unrelated individuals with FLNC-related phenotypes, including one de novo case (Internal Data). This variant has not been reported in a large population database (gnomAD), indicating this variant is rare. This variant is interpreted as likely pathogenic.

Ambry Genetics
Classification: Likely pathogenic for Cardiovascular phenotype. Last evaluated: 2025-02-20. Review status: criteria provided, single submitter. Criteria: Ambry Variant Classification Scheme 2023. Collection method: clinical testing. Allele origin: germline.
Comment: The p.G2320R variant (also known as c.6958G>A), located in coding exon 41 of the FLNC gene, results from a G to A substitution at nucleotide position 6958. The glycine at codon 2320 is replaced by arginine, an amino acid with dissimilar properties. This variant was reported in individual(s) with features consistent with hypertrophic cardiomyopathy; in at least one individual, it was determined to be de novo (external communication). This amino acid position is highly conserved in available vertebrate species. In addition, this alteration is predicted to be deleterious by in silico analysis. This variant is considered to be rare based on population cohorts in the Genome Aggregation Database (gnomAD). Based on the majority of available evidence to date, this variant is likely to be pathogenic for FLNC-related hypertrophic/restrictive cardiomyopathy and/or skeletal myopathy; however, its clinical significance for FLNC-related dilated cardiomyopathy is uncertain.

Blueprint Genetics
Classification: Uncertain significance. Last evaluated: 2024-09-10. Review status: criteria provided, single submitter. Criteria: ACMG Guidelines, 2015. Collection method: clinical testing. Allele origin: germline.

Stanford Center for Inherited Cardiovascular Disease, Stanford University
Classification: Uncertain significance. Last evaluated: 2017-06-06. Review status: criteria provided, single submitter. Criteria: ACMG Guidelines, 2015. Collection method: provider interpretation. Allele origin: germline.

Clinical Genetics DNA and cytogenetics Diagnostics Lab, Erasmus MC, Erasmus Medical Center
Classification: Uncertain significance. Review status: no assertion criteria provided. Collection method: clinical testing. Allele origin: germline. Affected: yes. Study: VKGL Data-share Consensus. Not counted in ClinVar's aggregate classification.

Joint Genome Diagnostic Labs from Nijmegen and Maastricht, Radboudumc and MUMC+
Classification: Uncertain significance. Review status: no assertion criteria provided. Collection method: clinical testing. Allele origin: germline. Affected: yes. Study: VKGL Data-share Consensus. Not counted in ClinVar's aggregate classification.

Literature cited by the submitters: PubMed 19074766 (cited by Mayo Clinic Laboratories, Mayo Clinic); PubMed 33954932 (cited by Mayo Clinic Laboratories, Mayo Clinic).